The following is an entry in ClinVar:

ClinVar aggregate classification (germline): Likely benign (1 of 4 stars; one submission).

Conditions:
Progressive sclerosing poliodystrophy (MTDPS4A). Also called: Alpers-Huttenlocher Syndrome (AHS); Alpers Syndrome; ALPERS PROGRESSIVE INFANTILE POLIODYSTROPHY; Mitochondrial DNA depletion syndrome 4A (Alpers type); ALPERS DIFFUSE DEGENERATION OF CEREBRAL GRAY MATTER WITH HEPATIC CIRRHOSIS; Alpers-Huttenlocher Syndrome. Identifiers: Orphanet 726, MedGen C0205710, MONDO:0008758, OMIM 203700.

Allele frequency attached by ClinVar (database versions not stated): gnomAD exomes below 0.00001.
gnomAD v4.1: 1 of 1,566,690 alleles (0.000064%); highest among the groups gnomAD compares: Non-Finnish European, 0.000088%; no homozygotes.

Submission:

Wong Mito Lab, Molecular and Human Genetics, Baylor College of Medicine
Classification: Likely benign for Progressive sclerosing poliodystrophy. Last evaluated: 2018-10-01. Review status: criteria provided, single submitter. Criteria: ACMG Guidelines, 2015. Collection method: clinical testing. Allele origin: germline.
Comment: The NM_002693.2:c.3274-47G>A (NP_002684.1:p.=) [GRCH38: NC_000015.10:g.89318796C>T] variant in POLG gene is interpretated to be a Likely Benign based on ACMG guidelines (PMID: 25741868). This variant meets the following evidence codes reported in the ACMG-guideline. BP4:Computational evidence/predictors indicate no impact on the POLG structure, function, or protein-protein interaction. BP6:Reputable source(s) without shared data suggest the variant is benign. Based on the evidence criteria codes applied, the variant is suggested to be Likely Benign.

NM_002693.3(POLG):c.3274-47G>A

Gene: POLG (DNA polymerase gamma, catalytic subunit; minus strand). Cytogenetic location: 15q26.1.
Variant type: single nucleotide variant.
Coding change: c.3274-47G>A on transcript NM_002693.3 (MANE Select); 47 bases into the intron before coding-DNA position 3274, G replaced by A.
Molecular consequence: intron variant.
Genome position (GRCh38, 1-based): chr15:89,318,796, C>T on the plus strand (G>A on the coding strand, the complement: POLG is on the minus strand). VCF-style: chr15-89318796-C-T. GRCh37 (hg19) VCF-style: chr15-89862027-C-T.
Other names: c.3274-47G>A (NM_001126131.2).
Identifiers: ClinVar variation 619376 (VCV000619376.1), dbSNP rs1567185324, ClinGen allele CA10602265.
Genomic context (GRCh38, chr15:89,318,796, plus strand): 5'-CGGCTGGTCATAAACTGGGAAGGGAAGGTGGGCAGAGGTGAAAGGGGCTATGCTACATAC[C>T]AATTAACTCCAGGGTAGAAGCCCCAAGAGAAGCTTCACTCTGGCCCTACCTACAAACATT-3'